The following is an entry in ClinVar:

ClinVar aggregate classification (germline): Uncertain significance. Review status: criteria provided, multiple submitters, no conflicts (2 of 4 stars). 4 submissions from 4 submitters: Uncertain significance (4). Last evaluated 2026-01-11.

Conditions:
Ehlers-Danlos syndrome, classic type, 1 (EDSCL1). Also called: Ehlers-Danlos syndrome, type 1; Ehlers-Danlos Syndrome, Classic Type, COL5A1-Related; EDS I; EHLERS-DANLOS SYNDROME, GRAVIS TYPE; EHLERS-DANLOS SYNDROME, SEVERE CLASSIC TYPE. Identifiers: MedGen C0268335, MONDO:0019567, OMIM 130000.
Ehlers-Danlos syndrome, classic type, 2 (EDSCL2). Also called: Ehlers-Danlos syndrome, type 2; Ehlers-Danlos Syndrome, Classic Type, COL5A2-Related; Ehlers-Danlos syndrome type 2 (formerly). Identifiers: Orphanet 287, Orphanet 90318, MedGen C0268336, MONDO:0019568, OMIM 130010.

Allele frequency attached by ClinVar (database versions not stated): TOPMed 0.00001; ExAC 0.00001; gnomAD 0.00001; gnomAD exomes 0.00001.
gnomAD v4.1: 18 of 1,613,918 alleles (0.0011%); highest among the groups gnomAD compares: African/African-American, 0.0013%; no homozygotes.

Submissions (4):

Labcorp Genetics (formerly Invitae), Labcorp
Classification: Uncertain significance for Ehlers-Danlos syndrome, classic type, 1. Last evaluated: 2026-01-11. Review status: criteria provided, single submitter. Criteria: Invitae Variant Classification Sherloc (09022015). Collection method: clinical testing. Allele origin: germline.
Comment: This sequence change replaces serine, which is neutral and polar, with phenylalanine, which is neutral and non-polar, at codon 451 of the COL5A2 protein (p.Ser451Phe). This variant is not present in population databases (gnomAD no frequency). This variant has not been reported in the literature in individuals affected with COL5A2-related conditions. ClinVar contains an entry for this variant (Variation ID: 529262). Invitae Evidence Modeling of protein sequence and biophysical properties (such as structural, functional, and spatial information, amino acid conservation, physicochemical variation, residue mobility, and thermodynamic stability) indicates that this missense variant is not expected to disrupt COL5A2 protein function with a negative predictive value of 80%. In summary, the available evidence is currently insufficient to determine the role of this variant in disease. Therefore, it has been classified as a Variant of Uncertain Significance.

Women's Health and Genetics/Laboratory Corporation of America, LabCorp
Classification: Uncertain significance. Last evaluated: 2025-05-20. Review status: criteria provided, single submitter. Criteria: LabCorp Variant Classification Summary - May 2015. Collection method: clinical testing. Allele origin: germline.
Comment: Variant summary: COL5A2 c.1352C>T (p.Ser451Phe) results in a non-conservative amino acid change in the encoded protein sequence. Algorithms developed to predict the effect of missense changes on protein structure and function all suggest that this variant is likely to be disruptive. The variant allele was found at a frequency of 8e-06 in 251130 control chromosomes. The available data on variant occurrences in the general population are insufficient to allow any conclusion about variant significance. To our knowledge, no occurrence of c.1352C>T in individuals affected with Ehlers-Danlos Syndrome and no experimental evidence demonstrating its impact on protein function have been reported. ClinVar contains an entry for this variant (Variation ID: 529262). Based on the evidence outlined above, the variant was classified as uncertain significance.

GeneDx
Classification: Uncertain significance. Last evaluated: 2024-09-05. Review status: criteria provided, single submitter. Criteria: GeneDx Variant Classification Process June 2021. Collection method: clinical testing. Allele origin: germline.
Comment: Has not been previously published as pathogenic or benign to our knowledge; Not observed at significant frequency in large population cohorts (gnomAD); In silico analysis indicates that this missense variant does not alter protein structure/function

Baylor Genetics
Classification: Uncertain significance for Ehlers-Danlos syndrome, classic type, 2. Last evaluated: 2020-05-14. Review status: criteria provided, single submitter. Criteria: ACMG Guidelines, 2015. Collection method: clinical testing. Allele origin: unknown. Affected: yes.
Comment: This variant was determined to be of uncertain significance according to ACMG Guidelines, 2015 [PMID:25741868].

NM_000393.5(COL5A2):c.1352C>T (p.Ser451Phe)

Gene: COL5A2 (collagen type V alpha 2 chain; minus strand). Cytogenetic location: 2q32.2.
Variant type: single nucleotide variant.
Coding change: c.1352C>T on transcript NM_000393.5 (MANE Select); coding-DNA position 1352, C replaced by T.
Protein change: p.Ser451Phe; replaces serine 451 with phenylalanine.
Molecular consequence: missense variant.
Genome position (GRCh38, 1-based): chr2:189,068,064, G>A on the plus strand (C>T on the coding strand, the complement: COL5A2 is on the minus strand). VCF-style: chr2-189068064-G-A. GRCh37 (hg19) VCF-style: chr2-189932790-G-A.
Other names: c.1352C>T (NM_000393.4); short protein forms S451F.
Identifiers: ClinVar variation 529262 (VCV000529262.16), dbSNP rs778385867, ClinGen allele CA2022732.
Genomic context (GRCh38, chr2:189,068,064, plus strand): 5'-AAGGTCATTACCGGTTGGCCTCGAATTCCCTGAGGACCAGTGCTACCCTGAGGTCCTGGA[G>A]ATCCAGGAGGCCCTGCTGAGCCAGGAGGACCAGAGGTACCTGGAGAGCCCTATTAAACAG-3'
Protein context (NP_000384.2, residues 441-461): GPPGSAGPPG[Ser451Phe]PGPQGSTGPQ